The following is an entry in ClinVar:

ClinVar aggregate classification (germline): Uncertain significance (1 of 4 stars; one submission).

Conditions:
Neurofibromatosis, type 1 (NF1). Also called: VON RECKLINGHAUSEN DISEASE; Neurofibromatosis, type I; NEUROFIBROMATOSIS, TYPE I, SOMATIC; Peripheral type neurofibromatosis. Identifiers: Orphanet 636, MedGen C0027831, MONDO:0018975, OMIM 162200. Disease mechanism: loss of function.

Submission:

Labcorp Genetics (formerly Invitae), Labcorp
Classification: Uncertain significance for Neurofibromatosis, type 1. Last evaluated: 2025-11-04. Review status: criteria provided, single submitter. Criteria: Invitae Variant Classification Sherloc (09022015). Collection method: clinical testing. Allele origin: germline.
Comment: This sequence change replaces phenylalanine, which is neutral and non-polar, with leucine, which is neutral and non-polar, at codon 256 of the NF1 protein (p.Phe256Leu). This variant is not present in population databases (gnomAD no frequency). This variant has not been reported in the literature in individuals affected with NF1-related conditions. ClinVar contains an entry for this variant (Variation ID: 647653). Invitae Evidence Modeling of protein sequence and biophysical properties (such as structural, functional, and spatial information, amino acid conservation, physicochemical variation, residue mobility, and thermodynamic stability) has been performed for this missense variant. However, the output from this modeling did not meet the statistical confidence thresholds required to predict the impact of this variant on NF1 protein function. In summary, the available evidence is currently insufficient to determine the role of this variant in disease. Therefore, it has been classified as a Variant of Uncertain Significance.

NM_001042492.3(NF1):c.768T>G (p.Phe256Leu)

Gene: NF1 (neurofibromin 1; plus strand). Cytogenetic location: 17q11.2.
Variant type: single nucleotide variant.
Coding change: c.768T>G on transcript NM_001042492.3 (MANE Select); coding-DNA position 768, T replaced by G.
Protein change: p.Phe256Leu; replaces phenylalanine 256 with leucine.
Molecular consequence: missense variant.
Genome position (GRCh38, 1-based): chr17:31,182,545, T>G. VCF-style: chr17-31182545-T-G. GRCh37 (hg19) VCF-style: chr17-29509563-T-G.
Other names: c.768T>G, p.Phe256Leu (NM_000267.4, NM_001128147.3); short protein forms F256L.
Identifiers: ClinVar variation 647653 (VCV000647653.5), dbSNP rs1597659838, ClinGen allele CA398990725.